The following is an entry in ClinVar:

NM_002878.4(RAD51D):c.72G>T (p.Arg24Ser)

Genes: RAD51L3-RFFL (RAD51L3-RFFL readthrough; minus strand), RAD51D (RAD51 paralog D; minus strand). Cytogenetic location: 17q12.
Variant type: single nucleotide variant.
Coding change: c.72G>T on transcript NM_002878.4 (MANE Select); coding-DNA position 72, G replaced by T.
Protein change: p.Arg24Ser; replaces arginine 24 with serine.
Molecular consequence: missense variant. On other transcripts: non-coding transcript variant (2).
Genome position (GRCh38, 1-based): chr17:35,119,542, C>A on the plus strand (G>T on the coding strand, the complement: RAD51D is on the minus strand). VCF-style: chr17-35119542-C-A. GRCh37 (hg19) VCF-style: chr17-33446561-C-A.
Other names: c.72G>T, p.Arg24Ser (NM_001142571.2, NM_133629.3); short protein forms R24S.
Identifiers: ClinVar variation 239401 (VCV000239401.14), dbSNP rs28363257, ClinGen allele CA8499698.

ClinVar aggregate classification (germline): Uncertain significance. Review status: criteria provided, multiple submitters, no conflicts (2 of 4 stars). 2 submissions from 2 submitters: Uncertain significance (2). Last evaluated 2025-06-24.

Conditions:
Hereditary cancer-predisposing syndrome. Also called: Neoplastic Syndromes, Hereditary; Hereditary neoplastic syndrome; Tumor predisposition; Hereditary Cancer Syndrome. Identifiers: Orphanet 140162, MedGen C0027672, MeSH D009386, MONDO:0015356.
Breast-ovarian cancer, familial, susceptibility to, 4. Identifiers: Orphanet 145, MedGen C3280345, MONDO:0013669, OMIM 614291.

Allele frequency attached by ClinVar (database versions not stated): gnomAD exomes below 0.00001 and 0.00001; gnomAD 0.00001; ExAC 0.00002; 1000 Genomes Project 30x 0.00016; 1000 Genomes Project 0.00020.
gnomAD v4.1: 2 of 1,612,304 alleles (0.00012%); highest among the groups gnomAD compares: East Asian, 0.0045%; no homozygotes.

Submissions (2):

Labcorp Genetics (formerly Invitae), Labcorp
Classification: Uncertain significance for Breast-ovarian cancer, familial, susceptibility to, 4. Last evaluated: 2025-06-24. Review status: criteria provided, single submitter. Criteria: Invitae Variant Classification Sherloc (09022015). Collection method: clinical testing. Allele origin: germline.
Comment: This sequence change replaces arginine, which is basic and polar, with serine, which is neutral and polar, at codon 24 of the RAD51D protein (p.Arg24Ser). This variant is present in population databases (rs28363257, gnomAD 0.02%). This variant has not been reported in the literature in individuals affected with RAD51D-related conditions. ClinVar contains an entry for this variant (Variation ID: 239401). An algorithm developed to predict the effect of missense changes on protein structure and function (PolyPhen-2) suggests that this variant is likely to be tolerated. In summary, the available evidence is currently insufficient to determine the role of this variant in disease. Therefore, it has been classified as a Variant of Uncertain Significance.

Ambry Genetics
Classification: Uncertain significance for Hereditary cancer-predisposing syndrome. Last evaluated: 2024-09-08. Review status: criteria provided, single submitter. Criteria: Ambry Variant Classification Scheme 2023. Collection method: clinical testing. Allele origin: germline.
Comment: The p.R24S variant (also known as c.72G>T), located in coding exon 1 of the RAD51D gene, results from a G to T substitution at nucleotide position 72. The arginine at codon 24 is replaced by serine, an amino acid with dissimilar properties. This amino acid position is poorly conserved in available vertebrate species. In addition, this alteration is predicted to be tolerated by in silico analysis. Since supporting evidence is limited at this time, the clinical significance of this alteration remains unclear.